The following is an entry in ClinVar:

NM_001200.4(BMP2):c.1126G>A (p.Glu376Lys)

Gene: BMP2 (bone morphogenetic protein 2; plus strand). Cytogenetic location: 20p12.3.
Variant type: single nucleotide variant.
Coding change: c.1126G>A on transcript NM_001200.4 (MANE Select); coding-DNA position 1126, G replaced by A.
Protein change: p.Glu376Lys; replaces glutamic acid 376 with lysine.
Molecular consequence: missense variant.
Genome position (GRCh38, 1-based): chr20:6,779,024, G>A. VCF-style: chr20-6779024-G-A. GRCh37 (hg19) VCF-style: chr20-6759671-G-A.
Other names: short protein forms E376K.
Identifiers: ClinVar variation 1722283 (VCV001722283.5), dbSNP rs1356335204, ClinGen allele CA408259879.

ClinVar aggregate classification (germline): Uncertain significance (1 of 4 stars; one submission).

Allele frequency attached by ClinVar (database versions not stated): gnomAD exomes below 0.00001.
gnomAD v4.1: 2 of 1,613,562 alleles (0.00012%); highest among the groups gnomAD compares: Non-Finnish European, 0.00017%; no homozygotes.

Submission:

Labcorp Genetics (formerly Invitae), Labcorp
Classification: Uncertain significance. Last evaluated: 2022-07-21. Review status: criteria provided, single submitter. Criteria: Invitae Variant Classification Sherloc (09022015). Collection method: clinical testing. Allele origin: germline.
Comment: This sequence change replaces glutamic acid, which is acidic and polar, with lysine, which is basic and polar, at codon 376 of the BMP2 protein (p.Glu376Lys). This variant is present in population databases (no rsID available, gnomAD 0.0009%). This variant has not been reported in the literature in individuals affected with BMP2-related conditions. Algorithms developed to predict the effect of missense changes on protein structure and function are either unavailable or do not agree on the potential impact of this missense change (SIFT: "Not Available"; PolyPhen-2: "Benign"; Align-GVGD: "Not Available"). In summary, the available evidence is currently insufficient to determine the role of this variant in disease. Therefore, it has been classified as a Variant of Uncertain Significance.